The following is an entry in ClinVar:

NM_201384.3(PLEC):c.9542A>T (p.Tyr3181Phe)

Gene: PLEC (plectin; minus strand). Cytogenetic location: 8q24.3.
Variant type: single nucleotide variant.
Coding change: c.9542A>T on transcript NM_201384.3 (MANE Select); coding-DNA position 9542, A replaced by T.
Protein change: p.Tyr3181Phe; replaces tyrosine 3181 with phenylalanine.
Molecular consequence: missense variant.
Genome position (GRCh38, 1-based): chr8:143,920,279, T>A on the plus strand (A>T on the coding strand, the complement: PLEC is on the minus strand). VCF-style: chr8-143920279-T-A. GRCh37 (hg19) VCF-style: chr8-144994447-T-A.
Other names: c.9623A>T, p.Tyr3208Phe (NM_000445.5); c.9500A>T, p.Tyr3167Phe (NM_201378.4); c.9476A>T, p.Tyr3159Phe (NM_201379.3); c.9953A>T, p.Tyr3318Phe (NM_201380.4); c.9446A>T, p.Tyr3149Phe (NM_201381.3); c.9542A>T, p.Tyr3181Phe (NM_201382.4); c.9554A>T, p.Tyr3185Phe (NM_201383.3); short protein forms Y3159F, Y3167F, Y3181F, Y3208F, Y3185F, Y3149F, Y3318F.
Identifiers: ClinVar variation 656512 (VCV000656512.9), dbSNP rs781999137, ClinGen allele CA4924936.
Genomic context (GRCh38, chr8:143,920,279, plus strand): 5'-GGCCGGCACCGCTGCTGGAGCTCGCCGTAGGTGGCCGGCTCCCCTGTGCTGGGGTCACTG[T>A]AGGCCTTGGCGTCGGCCCTTGGTGCCGACAGGGCCCTGCTGGTCTCCTCATCCAGGCAGC-3'
Protein context (NP_958786.1, residues 3171-3191): LSAPRADAKA[Tyr3181Phe]SDPSTGEPAT

ClinVar aggregate classification (germline): Uncertain significance (1 of 4 stars; one submission).

Conditions:
Epidermolysis bullosa simplex 5C, with pyloric atresia (EBS5C). Also called: Epidermolysis bullosa simplex with pyloric atresia; PLEC-Related Epidermolysis Bullosa with Pyloric Atresia; PLEC1-Related Epidermolysis Bullosa with Pyloric Atresia. Identifiers: Orphanet 158684, MedGen C2677349, MONDO:0012807, OMIM 612138.
Epidermolysis bullosa simplex 5B, with muscular dystrophy (EBS5B). Also called: Epidermolysis bullosa simplex with muscular dystrophy; EPIDERMOLYSIS BULLOSA SIMPLEX AND LIMB-GIRDLE MUSCULAR DYSTROPHY. Identifiers: Orphanet 257, MedGen C2931072, MONDO:0009181, OMIM 226670.
Epidermolysis bullosa simplex, Ogna type (EBS5A). Also called: Pidermolysis bullosa simplex 5A, Ogna type; EPIDERMOLYSIS BULLOSA SIMPLEX 5A, OGNA TYPE. Identifiers: Orphanet 79401, MedGen C0432317, MONDO:0007555, OMIM 131950.
Epidermolysis bullosa simplex with nail dystrophy (EBS5D). Identifiers: MedGen C4225309, MONDO:0014661, OMIM 616487.
Autosomal recessive limb-girdle muscular dystrophy type 2Q (LGMDR17). Also called: MUSCULAR DYSTROPHY, LIMB-GIRDLE, AUTOSOMAL RECESSIVE 17. Identifiers: Orphanet 254361, MedGen C3150989, MONDO:0013390, OMIM 613723.

Allele frequency attached by ClinVar (database versions not stated): TOPMed below 0.00001; gnomAD exomes 0.00001; ExAC 0.00003.

Submission:

Labcorp Genetics (formerly Invitae), Labcorp
Classification: Uncertain significance for Autosomal recessive limb-girdle muscular dystrophy type 2Q; Epidermolysis bullosa simplex, Ogna type; Epidermolysis bullosa simplex with nail dystrophy; Epidermolysis bullosa simplex 5C, with pyloric atresia; Epidermolysis bullosa simplex 5B, with muscular dystrophy. Last evaluated: 2025-10-02. Review status: criteria provided, single submitter. Criteria: Invitae Variant Classification Sherloc (09022015). Collection method: clinical testing. Allele origin: germline.
Comment: This sequence change replaces tyrosine, which is neutral and polar, with phenylalanine, which is neutral and non-polar, at codon 3208 of the PLEC protein (p.Tyr3208Phe). This variant is present in population databases (rs781999137, gnomAD 0.003%). This variant has not been reported in the literature in individuals affected with PLEC-related conditions. ClinVar contains an entry for this variant (Variation ID: 656512). An algorithm developed to predict the effect of missense changes on protein structure and function outputs the following: PolyPhen-2: "Benign". The phenylalanine amino acid residue is found in multiple mammalian species, which suggests that this missense change does not adversely affect protein function. In summary, the available evidence is currently insufficient to determine the role of this variant in disease. Therefore, it has been classified as a Variant of Uncertain Significance.